The following is an entry in ClinVar:

NM_183050.4(BCKDHB):c.816dup (p.Thr273fs)

Gene: BCKDHB (branched chain keto acid dehydrogenase E1 subunit beta; plus strand). Cytogenetic location: 6q14.1.
Variant type: Duplication.
Coding change: c.816dup on transcript NM_183050.4 (MANE Select); coding-DNA position 816, one base duplicated (T; older notation c.816dupT).
Protein change: p.Thr273fs; shifts the reading frame from threonine 273.
Molecular consequence: frameshift variant. On other transcripts: non-coding transcript variant (6).
Genome position (GRCh38, 1-based): chr6:80,201,007, T duplicated; the last of 2 consecutive T bases (chr6:80,201,006-80,201,007); duplicating either gives the same sequence. VCF-style (leftmost placement, unchanged base first): chr6-80201005-G-GT. GRCh37 (hg19) VCF-style: chr6-80910722-G-GT.
Other names: c.816dup, p.Thr273fs (NM_000056.5, NM_001424035.1, NM_001424036.1 and 7 more transcripts); c.606dup, p.Thr203fs (NM_001318975.1, NM_001424043.1); short protein forms T203fs, T273fs.
Identifiers: ClinVar variation 5003769 (VCV005003769.1).
Genomic context (GRCh38, chr6:80,201,005, plus strand): 5'-CCTATAGAACCATACAACATCCCACTGTCCCAGGCCGAAGTCATACAGGAAGGGAGTGAT[G>GT]TTACTCTAGTTGCCTGGGGCACTCAGGTGAGTAGCATTGATCCCAACTGTTAAAACCTAC-3'

ClinVar aggregate classification (germline): Pathogenic (1 of 4 stars; one submission).

Conditions:
Maple syrup urine disease type 1B (MSUD1B). Also called: MSUD type IB; MSUD type 3 (formerly); MSUD due to deficiency of e1-beta subunit of branched-chain alpha-keto acid dehydrogenase complex. Identifiers: MedGen C2930990, MONDO:0023692, OMIM 620698.

Submission:

Myriad Genetics, Inc.
Classification: Pathogenic for Maple syrup urine disease type 1B. Last evaluated: 2026-07-21. Review status: criteria provided, single submitter. Criteria: Myriad Autosomal Dominant, Autosomal Recessive and X-Linked Classification Criteria (2023). Collection method: clinical testing. Allele origin: unknown.
Comment: NM_183050.2(BCKDHB):c.816dupT(T273Yfs*28) is a frameshift variant classified as pathogenic in the context of maple syrup urine disease type Ib. T273Yfs*28 has not been observed in cases with relevant disease. Relevant functional assessments of this variant are not available in the literature. T273Yfs*28 has not been observed in referenced population frequency databases. In summary, NM_183050.2(BCKDHB):c.816dupT(T273Yfs*28) is a frameshift variant in a gene where loss of function is a known mechanism of disease and is predicted to disrupt protein function. Please note: this variant was assessed in the context of healthy population screening.